The following is an entry in ClinVar:

ClinVar aggregate classification (germline): Uncertain significance (1 of 4 stars; one submission).

Conditions:
Aortic aneurysm, familial thoracic 7 (AAT7). Also called: AORTIC DISSECTION, FAMILIAL, WITH OR WITHOUT AORTIC ANEURYSM. Identifiers: MedGen C3151077, MONDO:0013418, OMIM 613780.

Allele frequency attached by ClinVar (database versions not stated): gnomAD exomes below 0.00001; gnomAD 0.00001; TOPMed 0.00002.
gnomAD v4.1: 5 of 1,614,068 alleles (0.00031%); highest among the groups gnomAD compares: African/African-American, 0.0053%; no homozygotes.

Submission:

Labcorp Genetics (formerly Invitae), Labcorp
Classification: Uncertain significance for Aortic aneurysm, familial thoracic 7. Last evaluated: 2023-07-16. Review status: criteria provided, single submitter. Criteria: Invitae Variant Classification Sherloc (09022015). Collection method: clinical testing. Allele origin: germline.
Comment: In summary, the available evidence is currently insufficient to determine the role of this variant in disease. Therefore, it has been classified as a Variant of Uncertain Significance. Variants that disrupt the consensus splice site are a relatively common cause of aberrant splicing (PMID: 17576681, 9536098). Algorithms developed to predict the effect of sequence changes on RNA splicing suggest that this variant is not likely to affect RNA splicing. This variant has not been reported in the literature in individuals affected with MYLK-related conditions. This variant is present in population databases (no rsID available, gnomAD 0.007%). This sequence change falls in intron 22 of the MYLK gene. It does not directly change the encoded amino acid sequence of the MYLK protein. It affects a nucleotide within the consensus splice site.

Literature cited by the submitters: PubMed 17576681; PubMed 9536098.

NM_053025.4(MYLK):c.3831+3C>T

Gene: MYLK (myosin light chain kinase; minus strand). Cytogenetic location: 3q21.1.
Variant type: single nucleotide variant.
Coding change: c.3831+3C>T on transcript NM_053025.4 (MANE Select); 3 bases into the intron after coding-DNA position 3831, C replaced by T.
Molecular consequence: intron variant.
Genome position (GRCh38, 1-based): chr3:123,666,216, G>A on the plus strand (C>T on the coding strand, the complement: MYLK is on the minus strand). VCF-style: chr3-123666216-G-A. GRCh37 (hg19) VCF-style: chr3-123385063-G-A.
Other names: c.3303+3C>T (NM_001321309.2); c.3624+3C>T (NM_053028.4, NM_053026.4); c.3831+3C>T (NM_053027.4).
Identifiers: ClinVar variation 2708707 (VCV002708707.3), dbSNP rs1470440207, ClinGen allele CA545974706.